The following is an entry in ClinVar:

ClinVar aggregate classification (germline): drug response (0 of 4 stars; one submission).

Conditions:
Thalidomide response. Identifiers: MedGen CN297989.

gnomAD v4.1: 266,485 of 1,613,212 alleles (17%); highest among the groups gnomAD compares: East Asian, 39%; 25,303 homozygotes.

Submission:

Rare Diseases Genetics and Genomics, Islamia College Peshawar
Classification: drug response for Thalidomide response. Review status: no assertion criteria provided. Collection method: research. Allele origin: germline. Affected: yes.
Comment: this variant was associated with non-response to thalidomide (not achieving transfusion independence)

NM_152491.5(PM20D1):c.710T>C (p.Ile237Thr)

Gene: PM20D1 (peptidase M20 domain containing 1; minus strand). Cytogenetic location: 1q32.1.
Variant type: single nucleotide variant.
Coding change: c.710T>C on transcript NM_152491.5 (MANE Select); coding-DNA position 710, T replaced by C.
Protein change: p.Ile237Thr; replaces isoleucine 237 with threonine.
Molecular consequence: missense variant. On other transcripts: non-coding transcript variant (1).
Genome position (GRCh38, 1-based): chr1:205,843,784, A>G on the plus strand (T>C on the coding strand, the complement: PM20D1 is on the minus strand). VCF-style: chr1-205843784-A-G. GRCh37 (hg19) VCF-style: chr1-205812912-A-G.
Other names: short protein forms I237T.
Identifiers: ClinVar variation 3900032 (VCV003900032.1).